The following is an entry in ClinVar:

NM_003036.4(SKI):c.1391C>T (p.Ala464Val)

Gene: SKI (SKI proto-oncogene; plus strand). Cytogenetic location: 1p36.32.
Variant type: single nucleotide variant.
Coding change: c.1391C>T on transcript NM_003036.4 (MANE Select); coding-DNA position 1391, C replaced by T.
Protein change: p.Ala464Val; replaces alanine 464 with valine.
Molecular consequence: missense variant.
Genome position (GRCh38, 1-based): chr1:2,304,019, C>T. VCF-style: chr1-2304019-C-T. GRCh37 (hg19) VCF-style: chr1-2235458-C-T.
Other names: short protein forms A464V.
Identifiers: ClinVar variation 1771562 (VCV001771562.5), dbSNP rs755404233, ClinGen allele CA536696.
Genomic context (GRCh38, chr1:2,304,019, plus strand): 5'-AGCCTCTCGCCACTTGCACCCAGCCTCGGAAGCGGAAGCTGACTGTGGACACCCCAGGAG[C>T]CCCAGAGACGCTGGCGCCCGTGGCTGCCCCAGAGGAGGACAAGGACTCGGAGGCGGAGGT-3'
Protein context (NP_003027.1, residues 454-474): KRKLTVDTPG[Ala464Val]PETLAPVAAP

ClinVar aggregate classification (germline): Uncertain significance. Review status: criteria provided, multiple submitters, no conflicts (2 of 4 stars). 2 submissions from 2 submitters: Uncertain significance (2). Last evaluated 2023-03-02.

Conditions:
Shprintzen-Goldberg syndrome (SGS). Also called: CRANIOSYNOSTOSIS WITH ARACHNODACTYLY AND ABDOMINAL HERNIAS; SHPRINTZEN-GOLDBERG CRANIOSYNOSTOSIS SYNDROME; Marfanoid disorder with craniosynostosis type 1; Marfanoid craniosynostosis syndrome; Shprintzen-Goldberg marfanoid syndrome. Identifiers: Orphanet 2462, MedGen C1321551, MONDO:0008426, OMIM 182212.
Familial thoracic aortic aneurysm and aortic dissection (TAAD). Also called: Thoracic aortic aneurysms and dissections. Identifiers: Orphanet 91387, MedGen C4707243, MONDO:0019625.

Allele frequency attached by ClinVar (database versions not stated): ExAC 0.00002; gnomAD 0.00001; gnomAD exomes below 0.00001.
gnomAD v4.1: 7 of 1,612,402 alleles (0.00043%); highest among the groups gnomAD compares: Admixed American, 0.0033%; no homozygotes.

Submissions (2):

Labcorp Genetics (formerly Invitae), Labcorp
Classification: Uncertain significance for Shprintzen-Goldberg syndrome. Last evaluated: 2023-03-02. Review status: criteria provided, single submitter. Criteria: Invitae Variant Classification Sherloc (09022015). Collection method: clinical testing. Allele origin: germline.
Comment: In summary, the available evidence is currently insufficient to determine the role of this variant in disease. Therefore, it has been classified as a Variant of Uncertain Significance. Advanced modeling of protein sequence and biophysical properties (such as structural, functional, and spatial information, amino acid conservation, physicochemical variation, residue mobility, and thermodynamic stability) performed at Invitae indicates that this missense variant is not expected to disrupt SKI protein function. ClinVar contains an entry for this variant (Variation ID: 1771562). This variant has not been reported in the literature in individuals affected with SKI-related conditions. This variant is present in population databases (rs755404233, gnomAD 0.002%). This sequence change replaces alanine, which is neutral and non-polar, with valine, which is neutral and non-polar, at codon 464 of the SKI protein (p.Ala464Val).

Ambry Genetics
Classification: Uncertain significance for Familial thoracic aortic aneurysm and aortic dissection. Last evaluated: 2021-08-10. Review status: criteria provided, single submitter. Criteria: Ambry Variant Classification Scheme 2023. Collection method: clinical testing. Allele origin: germline.
Comment: The p.A464V variant (also known as c.1391C>T), located in coding exon 4 of the SKI gene, results from a C to T substitution at nucleotide position 1391. The alanine at codon 464 is replaced by valine, an amino acid with similar properties. This amino acid position is conserved. In addition, this alteration is predicted to be tolerated by in silico analysis. Since supporting evidence is limited at this time, the clinical significance of this alteration remains unclear.